The following is an entry in ClinVar:

NM_003803.4(MYOM1):c.2819T>C (p.Ile940Thr)

Gene: MYOM1 (myomesin 1; minus strand). Cytogenetic location: 18p11.31.
Variant type: single nucleotide variant.
Coding change: c.2819T>C on transcript NM_003803.4 (MANE Select); coding-DNA position 2819, T replaced by C.
Protein change: p.Ile940Thr; replaces isoleucine 940 with threonine.
Molecular consequence: missense variant.
Genome position (GRCh38, 1-based): chr18:3,126,873, A>G on the plus strand (T>C on the coding strand, the complement: MYOM1 is on the minus strand). VCF-style: chr18-3126873-A-G. GRCh37 (hg19) VCF-style: chr18-3126871-A-G.
Other names: c.2531T>C, p.Ile844Thr (NM_019856.2); short protein forms I940T, I844T.
Identifiers: ClinVar variation 1796408 (VCV001796408.2), dbSNP rs761592818, ClinGen allele CA401708677.

ClinVar aggregate classification (germline): Uncertain significance (1 of 4 stars; one submission).

gnomAD v4.1: 1 of 1,611,798 alleles (0.000062%); highest among the groups gnomAD compares: Non-Finnish European, 0.000085%; no homozygotes.

Submission:

Ambry Genetics
Classification: Uncertain significance. Last evaluated: 2022-06-14. Review status: criteria provided, single submitter. Criteria: Ambry Variant Classification Scheme 2023. Collection method: clinical testing. Allele origin: germline.
Comment: The p.I940T variant (also known as c.2819T>C), located in coding exon 18 of the MYOM1 gene, results from a T to C substitution at nucleotide position 2819. The isoleucine at codon 940 is replaced by threonine, an amino acid with similar properties. This amino acid position is conserved. In addition, this alteration is predicted to be deleterious by in silico analysis. Since supporting evidence is limited at this time, the clinical significance of this alteration remains unclear.